The following is an entry in ClinVar:

NM_018417.6(ADCY10):c.4441C>G (p.Gln1481Glu)

Gene: ADCY10 (adenylate cyclase 10; minus strand). Cytogenetic location: 1q24.2.
Variant type: single nucleotide variant.
Coding change: c.4441C>G on transcript NM_018417.6 (MANE Select); coding-DNA position 4441, C replaced by G.
Protein change: p.Gln1481Glu; replaces glutamine 1481 with glutamic acid.
Molecular consequence: missense variant.
Genome position (GRCh38, 1-based): chr1:167,818,113, G>C on the plus strand (C>G on the coding strand, the complement: ADCY10 is on the minus strand). VCF-style: chr1-167818113-G-C. GRCh37 (hg19) VCF-style: chr1-167787351-G-C.
Other names: c.3982C>G, p.Gln1328Glu (NM_001167749.3); c.4165C>G, p.Gln1389Glu (NM_001297772.2); short protein forms Q1389E, Q1481E, Q1328E.
Identifiers: ClinVar variation 2736492 (VCV002736492.3), dbSNP rs763430872, ClinGen allele CA1227028.

ClinVar aggregate classification (germline): Uncertain significance (1 of 4 stars; one submission).

Allele frequency attached by ClinVar (database versions not stated): gnomAD exomes below 0.00001; ExAC 0.00001; gnomAD 0.00001; TOPMed 0.00001.
gnomAD v4.1: 2 of 1,614,064 alleles (0.00012%); highest among the groups gnomAD compares: African/African-American, 0.0013%; no homozygotes.

Submission:

Labcorp Genetics (formerly Invitae), Labcorp
Classification: Uncertain significance. Last evaluated: 2023-07-07. Review status: criteria provided, single submitter. Criteria: Invitae Variant Classification Sherloc (09022015). Collection method: clinical testing. Allele origin: germline.
Comment: This sequence change replaces glutamine, which is neutral and polar, with glutamic acid, which is acidic and polar, at codon 1481 of the ADCY10 protein (p.Gln1481Glu). This variant is present in population databases (rs763430872, gnomAD 0.0009%). This variant has not been reported in the literature in individuals affected with ADCY10-related conditions. An algorithm developed to predict the effect of missense changes on protein structure and function (PolyPhen-2) suggests that this variant is likely to be tolerated. In summary, the available evidence is currently insufficient to determine the role of this variant in disease. Therefore, it has been classified as a Variant of Uncertain Significance.